The following is an entry in ClinVar:

ClinVar aggregate classification (germline): Uncertain significance. Review status: criteria provided, multiple submitters, no conflicts (2 of 4 stars). 2 submissions from 2 submitters: Uncertain significance (2). Last evaluated 2025-04-19.

Conditions:
Inborn genetic diseases. Identifiers: MedGen C0950123, MeSH D030342.
Charcot-Marie-Tooth disease axonal type 2P. Also called: Charcot-Marie-Tooth Neuropathy Type 2G; CHARCOT-MARIE-TOOTH NEUROPATHY, TYPE 2P; CHARCOT-MARIE-TOOTH DISEASE, AXONAL, TYPE 2G; CMT 2G. Identifiers: Orphanet 300319, Orphanet 99941, MedGen C3280797, MONDO:0013753, OMIM 614436.

Allele frequency attached by ClinVar (database versions not stated): gnomAD exomes 0.00001 and 0.00003; gnomAD 0.00002 and 0.00003; TOPMed 0.00002; ExAC 0.00004.
gnomAD v4.1: 22 of 1,614,058 alleles (0.0014%); highest among the groups gnomAD compares: South Asian, 0.011%; no homozygotes.

Submissions (2):

Ambry Genetics
Classification: Uncertain significance for Inborn genetic diseases. Last evaluated: 2025-04-19. Review status: criteria provided, single submitter. Criteria: Ambry Variant Classification Scheme 2023. Collection method: clinical testing. Allele origin: germline.

Labcorp Genetics (formerly Invitae), Labcorp
Classification: Uncertain significance for Charcot-Marie-Tooth disease axonal type 2P. Last evaluated: 2022-11-28. Review status: criteria provided, single submitter. Criteria: Invitae Variant Classification Sherloc (09022015). Collection method: clinical testing. Allele origin: germline.
Comment: This sequence change replaces arginine, which is basic and polar, with glutamine, which is neutral and polar, at codon 8 of the LRSAM1 protein (p.Arg8Gln). This variant is present in population databases (rs777784051, gnomAD 0.01%). This variant has not been reported in the literature in individuals affected with LRSAM1-related conditions. ClinVar contains an entry for this variant (Variation ID: 1436756). Advanced modeling of protein sequence and biophysical properties (such as structural, functional, and spatial information, amino acid conservation, physicochemical variation, residue mobility, and thermodynamic stability) performed at Invitae indicates that this missense variant is not expected to disrupt LRSAM1 protein function. In summary, the available evidence is currently insufficient to determine the role of this variant in disease. Therefore, it has been classified as a Variant of Uncertain Significance.

NM_001005373.4(LRSAM1):c.23G>A (p.Arg8Gln)

Gene: LRSAM1 (leucine rich repeat and sterile alpha motif containing 1; plus strand). Cytogenetic location: 9q33.3.
Variant type: single nucleotide variant.
Coding change: c.23G>A on transcript NM_001005373.4 (MANE Select); coding-DNA position 23, G replaced by A.
Protein change: p.Arg8Gln; replaces arginine 8 with glutamine.
Molecular consequence: missense variant. On other transcripts: 5 prime UTR variant (1), non-coding transcript variant (2).
Genome position (GRCh38, 1-based): chr9:127,454,550, G>A. VCF-style: chr9-127454550-G-A. GRCh37 (hg19) VCF-style: chr9-130216829-G-A.
Other names: c.23G>A, p.Arg8Gln (NM_001005374.4, NM_001190723.3, NM_001384142.1 and 2 more transcripts); c.-762G>A (NM_001384144.1); c.23G>A (NM_138361.4); short protein forms R8Q.
Identifiers: ClinVar variation 1436756 (VCV001436756.9), dbSNP rs777784051, ClinGen allele CA5246349.